The following is an entry in ClinVar:

NM_001289808.2(CRYAB):c.35G>T (p.Arg12Leu)

Gene: CRYAB (crystallin alpha B; minus strand). Cytogenetic location: 11q23.1.
Variant type: single nucleotide variant.
Coding change: c.35G>T on transcript NM_001289808.2 (MANE Select); coding-DNA position 35, G replaced by T.
Protein change: p.Arg12Leu; replaces arginine 12 with leucine.
Molecular consequence: missense variant.
Genome position (GRCh38, 1-based): chr11:111,911,690, C>A on the plus strand (G>T on the coding strand, the complement: CRYAB is on the minus strand). VCF-style: chr11-111911690-C-A. GRCh37 (hg19) VCF-style: chr11-111782414-C-A.
Other names: c.35G>T, p.Arg12Leu (NM_001289807.1, NM_001368245.1, NM_001885.3); short protein forms R12L.
Identifiers: ClinVar variation 2688871 (VCV002688871.5), dbSNP rs930811941, ClinGen allele CA382601042.

ClinVar aggregate classification (germline): Uncertain significance. Review status: criteria provided, multiple submitters, no conflicts (2 of 4 stars). 2 submissions from 2 submitters: Uncertain significance (2). Last evaluated 2023-12-19.

Conditions:
Dilated cardiomyopathy 1II (CMD1II). Identifiers: Orphanet 154, MedGen C3554649, MONDO:0014073, OMIM 615184.

gnomAD v4.1: 13 of 1,600,842 alleles (0.00081%); highest among the groups gnomAD compares: Non-Finnish European, 0.0011%; no homozygotes.

Submissions (2):

Labcorp Genetics (formerly Invitae), Labcorp
Classification: Uncertain significance for Dilated cardiomyopathy 1II. Last evaluated: 2023-12-19. Review status: criteria provided, single submitter. Criteria: Invitae Variant Classification Sherloc (09022015). Collection method: clinical testing. Allele origin: germline.
Comment: This sequence change replaces arginine, which is basic and polar, with leucine, which is neutral and non-polar, at codon 12 of the CRYAB protein (p.Arg12Leu). This variant is not present in population databases (gnomAD no frequency). This variant has not been reported in the literature in individuals affected with CRYAB-related conditions. An algorithm developed to predict the effect of missense changes on protein structure and function (PolyPhen-2) suggests that this variant is likely to be disruptive. This variant disrupts the p.Arg12 amino acid residue in CRYAB. Other variant(s) that disrupt this residue have been determined to be pathogenic (PMID: 26402864, 27260392). This suggests that this residue is clinically significant, and that variants that disrupt this residue are likely to be disease-causing. In summary, the available evidence is currently insufficient to determine the role of this variant in disease. Therefore, it has been classified as a Variant of Uncertain Significance.

Revvity Omics, Revvity
Classification: Uncertain significance. Last evaluated: 2023-04-24. Review status: criteria provided, single submitter. Criteria: ACMG Guidelines, 2015. Collection method: clinical testing. Allele origin: germline.

Literature cited by the submitters: PubMed 26402864 (cited by Labcorp Genetics (formerly Invitae), Labcorp); PubMed 27260392 (cited by Labcorp Genetics (formerly Invitae), Labcorp).